The following is an entry in ClinVar:

NM_002526.4(NT5E):c.18G>C (p.Ala6=)

Gene: NT5E (5'-nucleotidase ecto; plus strand). Cytogenetic location: 6q14.3.
Variant type: single nucleotide variant.
Coding change: c.18G>C on transcript NM_002526.4 (MANE Select); coding-DNA position 18, G replaced by C.
Protein change: p.Ala6=; no amino-acid change (alanine 6 retained).
Molecular consequence: synonymous variant.
Genome position (GRCh38, 1-based): chr6:85,450,157, G>C. VCF-style: chr6-85450157-G-C. GRCh37 (hg19) VCF-style: chr6-86159875-G-C.
Other names: c.18G>C, p.Ala6= (NM_001204813.2).
Identifiers: ClinVar variation 3048888 (VCV003048888.2), dbSNP rs1201305832, ClinGen allele CA451238529.

ClinVar aggregate classification (germline): Likely benign (0 of 4 stars; one submission).

Conditions:
NT5E-related disorder. Also called: NT5E-related condition.

gnomAD v4.1: 9 of 1,588,582 alleles (0.00057%); highest among the groups gnomAD compares: Non-Finnish European, 0.00077%; no homozygotes.

Submission:

PreventionGenetics, part of Exact Sciences
Classification: Likely benign for NT5E-related condition. Last evaluated: 2023-09-08. Review status: no assertion criteria provided. Collection method: clinical testing. Allele origin: germline.
Comment: This variant is classified as likely benign based on ACMG/AMP sequence variant interpretation guidelines (Richards et al. 2015 PMID: 25741868, with internal and published modifications).